The following is an entry in ClinVar:

ClinVar aggregate classification (germline): Uncertain significance. Review status: criteria provided, multiple submitters, no conflicts (2 of 4 stars). 5 submissions from 5 submitters: Uncertain significance (5). Last evaluated 2025-11-18.

Conditions:
POLG-related disorder. Also called: POLG-Related Spectrum Disorders; POLG-related condition; POLG-Related Disorders. Identifiers: MedGen C4763519.
Progressive sclerosing poliodystrophy (MTDPS4A). Also called: Mitochondrial DNA Depletion Syndrome 4A; ALPERS PROGRESSIVE INFANTILE POLIODYSTROPHY; Alpers Syndrome; NEURONAL DEGENERATION OF CHILDHOOD WITH LIVER DISEASE, PROGRESSIVE; Alpers-Huttenlocher Syndrome (AHS); ALPERS DIFFUSE DEGENERATION OF CEREBRAL GRAY MATTER WITH HEPATIC CIRRHOSIS. Identifiers: Orphanet 726, MedGen C0205710, MONDO:0008758, OMIM 203700.

Allele frequency attached by ClinVar (database versions not stated): gnomAD 0.00001 and 0.00003; gnomAD exomes 0.00001 and 0.00003; TOPMed 0.00001; ExAC 0.00005; 1000 Genomes Project 30x 0.00031; 1000 Genomes Project 0.00040.
gnomAD v4.1: 26 of 1,614,058 alleles (0.0016%); highest among the groups gnomAD compares: African/African-American, 0.0027%; no homozygotes.

Submissions (5):

Myriad Genetics, Inc.
Classification: Uncertain significance for POLG-related disorder. Last evaluated: 2025-11-18. Review status: criteria provided, single submitter. Criteria: Myriad Autosomal Dominant, Autosomal Recessive and X-Linked Classification Criteria (2023). Collection method: clinical testing. Allele origin: unknown.
Comment: NM_002693.2(POLG):c.2224G>A(V742M) is a missense variant classified as a variant of uncertain significance in the context of POLG-related disorders. V742M has been observed in cases with relevant disease (PMID: 38539105, 21880868). Relevant functional assessments of this variant are not available in the literature. V742M has been observed in referenced population frequency databases. In summary, there is insufficient evidence to classify NM_002693.2(POLG):c.2224G>A(V742M) as pathogenic or benign. Please note: this variant was assessed in the context of healthy population screening.

PreventionGenetics, part of Exact Sciences
Classification: Uncertain significance for POLG-related condition. Last evaluated: 2025-08-24. Review status: criteria provided, single submitter. Criteria: ACMG Guidelines, 2015. Collection method: clinical testing. Allele origin: germline.
Comment: The POLG c.2224G>A variant is predicted to result in the amino acid substitution p.Val742Met. This variant was reported in large exome studies as de novo in two individuals with developmental disorder (as 15:89866676:C:T, Table S1, Kaplanis et al. 2020. PubMed ID: 33057194; Table S3, Zhou et al. 2022. PubMed ID: 35982159). This variant is reported in 0.011% of alleles in individuals of East Asian descent in gnomAD. At this time, the clinical significance of this variant is uncertain due to the absence of conclusive functional and genetic evidence.

Labcorp Genetics (formerly Invitae), Labcorp
Classification: Uncertain significance for Progressive sclerosing poliodystrophy. Last evaluated: 2025-01-24. Review status: criteria provided, single submitter. Criteria: Invitae Variant Classification Sherloc (09022015). Collection method: clinical testing. Allele origin: germline.
Comment: This sequence change replaces valine, which is neutral and non-polar, with methionine, which is neutral and non-polar, at codon 742 of the POLG protein (p.Val742Met). This variant is present in population databases (rs147827654, gnomAD 0.01%). This missense change has been observed in individual(s) with developmental delay (PMID: 33057194). This variant is also known as g.89866676C>T . ClinVar contains an entry for this variant (Variation ID: 619323). Invitae Evidence Modeling of protein sequence and biophysical properties (such as structural, functional, and spatial information, amino acid conservation, physicochemical variation, residue mobility, and thermodynamic stability) indicates that this missense variant is expected to disrupt POLG protein function with a positive predictive value of 80%. In summary, the available evidence is currently insufficient to determine the role of this variant in disease. Therefore, it has been classified as a Variant of Uncertain Significance.

Blueprint Genetics
Classification: Uncertain significance. Last evaluated: 2024-04-09. Review status: criteria provided, single submitter. Criteria: ACMG Guidelines, 2015. Collection method: clinical testing. Allele origin: germline.

Wong Mito Lab, Molecular and Human Genetics, Baylor College of Medicine
Classification: Uncertain significance for Progressive sclerosing poliodystrophy. Last evaluated: 2018-10-01. Review status: criteria provided, single submitter. Criteria: ACMG Guidelines, 2015. Collection method: clinical testing. Allele origin: germline.
Comment: The NM_002693.2:c.2224G>A (NP_002684.1:p.Val742Met) [GRCH38: NC_000015.10:g.89323445C>T] variant in POLG gene is interpretated to be a Uncertain Significance based on ACMG guidelines (PMID: 25741868). This variant meets the following evidence codes reported in the ACMG-guideline. PM2:This variant is absent in key population databases. PP2:This is a missense variant in POLG with a low rate of benign and high rate of pathogenic missense variations. BP4:Computational evidence/predictors indicate no impact on the POLG structure, function, or protein-protein interaction. Based on the evidence criteria codes applied, the variant is suggested to be Uncertain Significance.

Literature cited by the submitters: PubMed 21880868 (cited by Myriad Genetics, Inc.); PubMed 38539105 (cited by Myriad Genetics, Inc.); PubMed 33057194 (cited by Labcorp Genetics (formerly Invitae), Labcorp).

NM_002693.3(POLG):c.2224G>A (p.Val742Met)

Gene: POLG (DNA polymerase gamma, catalytic subunit; minus strand). Cytogenetic location: 15q26.1.
Variant type: single nucleotide variant.
Coding change: c.2224G>A on transcript NM_002693.3 (MANE Select); coding-DNA position 2224, G replaced by A.
Protein change: p.Val742Met; replaces valine 742 with methionine.
Molecular consequence: missense variant.
Genome position (GRCh38, 1-based): chr15:89,323,445, C>T on the plus strand (G>A on the coding strand, the complement: POLG is on the minus strand). VCF-style: chr15-89323445-C-T. GRCh37 (hg19) VCF-style: chr15-89866676-C-T.
Other names: c.2224G>A, p.Val742Met (NM_001126131.2); short protein forms V742M.
Identifiers: ClinVar variation 619323 (VCV000619323.8), dbSNP rs147827654, ClinGen allele CA7724538.